The following is an entry in ClinVar:

NM_031407.7(HUWE1):c.9349A>G (p.Ser3117Gly)

Gene: HUWE1 (HECT, UBA and WWE domain containing E3 ubiquitin protein ligase 1; minus strand). Cytogenetic location: Xp11.22.
Variant type: single nucleotide variant.
Coding change: c.9349A>G on transcript NM_031407.7 (MANE Select); coding-DNA position 9349, A replaced by G.
Protein change: p.Ser3117Gly; replaces serine 3117 with glycine.
Molecular consequence: missense variant.
Genome position (GRCh38, 1-based): chrX:53,550,937, T>C on the plus strand (A>G on the coding strand, the complement: HUWE1 is on the minus strand). VCF-style: chrX-53550937-T-C. GRCh37 (hg19) VCF-style: chrX-53577898-T-C.
Other names: short protein forms S3117G.
Identifiers: ClinVar variation 3371495 (VCV003371495.1).

ClinVar aggregate classification (germline): Uncertain significance (1 of 4 stars; one submission).

gnomAD v4.1: 2 of 1,211,878 alleles (0.00017%); highest among the groups gnomAD compares: Non-Finnish European, 0.00022%; no homozygotes.

Submission:

GeneDx
Classification: Uncertain significance. Last evaluated: 2024-03-24. Review status: criteria provided, single submitter. Criteria: GeneDx Variant Classification Process June 2021. Collection method: clinical testing. Allele origin: germline. Affected: yes.
Comment: Has not been previously published as pathogenic or benign to our knowledge; Not observed at significant frequency in large population cohorts (gnomAD); In silico analysis supports that this missense variant does not alter protein structure/function